The following is an entry in ClinVar:

ClinVar aggregate classification (germline): Conflicting classifications of pathogenicity. Review status: criteria provided, conflicting classifications (1 of 4 stars). 5 submissions from 5 submitters: Uncertain significance (4); Likely benign (1). Last evaluated 2026-02-05.

Conditions:
Achondrogenesis type II (ACG2). Also called: CHONDROGENESIS IMPERFECTA; ACHONDROGENESIS, LANGER-SALDINO TYPE. Identifiers: Orphanet 932, Orphanet 93296, MedGen C0220685, MONDO:0008702, OMIM 200610.
Stickler syndrome, type I, nonsyndromic ocular. Also called: STICKLER SYNDROME, ATYPICAL; STICKLER SYNDROME, TYPE I, PREDOMINANTLY OCULAR. Identifiers: MedGen C1836080, MONDO:0012287, OMIM 609508.
Spondyloepiphyseal dysplasia with metatarsal shortening. Also called: Pseudorheumatoid dysplasia progressive, with hypoplastic toes; CZECH DYSPLASIA, METATARSAL TYPE; SPONDYLOEPIPHYSEAL DYSPLASIA WITH PRECOCIOUS OSTEOARTHRITIS. Identifiers: Orphanet 137678, MedGen C1836683, MONDO:0012206, OMIM 609162.
Legg-Calve-Perthes disease. Also called: Osteochondritis deformans; Coxa plana; PERTHES DISEASE; Avascular necrosis of the capital femoral epiphysis. Identifiers: Orphanet 2380, MedGen C1442965, MONDO:0007885, OMIM 150600, HP:0005743.
Spondyloepiphyseal dysplasia congenita (SEDC). Also called: SED CONGENITA; SPONDYLOEPIPHYSEAL DYSPLASIA, CONGENITAL TYPE. Identifiers: Orphanet 94068, MedGen C2745959, MONDO:0008471, OMIM 183900.
Namaqualand hip dysplasia (OSCDP). Also called: Mild spondyloepiphyseal dysplasia due to COL2A1 mutation with early-onset osteoarthritis. Identifiers: Orphanet 93279, MedGen C0432214, MONDO:0011496, OMIM 604864.
Avascular necrosis of femoral head, primary, 1 (ANFH1). Also called: Avascular necrosis of femoral head, primary. Identifiers: Orphanet 86820, MedGen C4551562, MONDO:0054550, OMIM 608805.
Spondylometaphyseal dysplasia - Sutcliffe type. Also called: Sutcliffe type of spondylometaphyseal dysplasia; Spondylometaphyseal dysplasia, 'corner fracture' type; Sutcliffe SMD; Spondylometaphyseal Dysplasia, Corner Fracture Type. Identifiers: Orphanet 93315, MedGen C0432221, MONDO:0008479, OMIM 184255.
Multiple epiphyseal dysplasia, Beighton type. Identifiers: Orphanet 166011, MedGen C1851536, MONDO:0007562, OMIM 132450.
Spondyloepimetaphyseal dysplasia, Strudwick type (SEMDSTWK). Also called: DAPPLED METAPHYSIS SYNDROME; STRUDWICK SYNDROME. Identifiers: Orphanet 93346, MedGen C0700635, MONDO:0008476, OMIM 184250.
Spondyloepiphyseal dysplasia, Stanescu type. Also called: SED, STANESCU TYPE; SPONDYLOEPIMETAPHYSEAL DYSPLASIA, STANESCU TYPE. Identifiers: Orphanet 459051, MedGen C4225273, MONDO:0014701, OMIM 616583.
Vitreoretinopathy with phalangeal epiphyseal dysplasia (VPED). Identifiers: MedGen C1852989, MONDO:0031001, OMIM 619248.
Spondyloperipheral dysplasia. Also called: Spondyloperipheral dysplasia-short ulna syndrome; SPONDYLOPERIPHERAL DYSPLASIA WITH SHORT ULNA. Identifiers: Orphanet 1856, MedGen C0796173, MONDO:0010078, OMIM 271700.
Platyspondylic dysplasia, Torrance type (PLSDT). Identifiers: Orphanet 85166, MedGen C1835437, MONDO:0007895, OMIM 151210.
Stickler syndrome type 1 (STL1). Also called: COL2A1-Related Stickler Syndrome; ARTHROOPHTHALMOPATHY, HEREDITARY PROGRESSIVE; STICKLER SYNDROME, MEMBRANOUS VITREOUS TYPE; STICKLER SYNDROME, VITREOUS TYPE 1. Identifiers: Orphanet 828, Orphanet 90653, MedGen C2020284, MONDO:0007160, OMIM 108300.
Kniest dysplasia. Identifiers: Orphanet 485, MedGen C0265279, MONDO:0007987, OMIM 156550.
COL2A1-related disorder. Also called: COL2A1-related condition; COL2A1-related disorders.

Allele frequency attached by ClinVar (database versions not stated): gnomAD exomes 0.00001; TOPMed 0.00001.
gnomAD v4.1: 25 of 1,614,174 alleles (0.0015%); highest among the groups gnomAD compares: Non-Finnish European, 0.0021%; no homozygotes.

Submissions (5):

PreventionGenetics, part of Exact Sciences
Classification: Uncertain significance for COL2A1-related condition. Last evaluated: 2026-02-05. Review status: criteria provided, single submitter. Criteria: ACMG Guidelines, 2015. Collection method: clinical testing. Allele origin: germline.
Comment: The COL2A1 c.1855G>A variant is predicted to result in the amino acid substitution p.Glu619Lys. To our knowledge, this variant has not been reported in the literature. This variant is reported in 0.0026% of alleles in individuals of European (Non-Finnish) descent in gnomAD. At this time, the clinical significance of this variant is uncertain due to the absence of conclusive functional and genetic evidence.

Labcorp Genetics (formerly Invitae), Labcorp
Classification: Likely benign. Last evaluated: 2026-01-26. Review status: criteria provided, single submitter. Criteria: Invitae Variant Classification Sherloc (09022015). Collection method: clinical testing. Allele origin: germline.

GeneDx
Classification: Uncertain significance. Last evaluated: 2025-05-11. Review status: criteria provided, single submitter. Criteria: GeneDx Variant Classification Process June 2021. Collection method: clinical testing. Allele origin: germline. Affected: yes.
Comment: In silico analysis supports that this missense variant has a deleterious effect on protein structure/function; Occurs in the triple helical domain at the X position in the canonical Gly-X-Y repeat; although this variant may have an effect on normal protein folding and function, missense substitution at the X position is not a common mechanism of disease (HGMD); Has not been previously published as pathogenic or benign to our knowledge

Blueprint Genetics
Classification: Uncertain significance. Last evaluated: 2024-11-15. Review status: criteria provided, single submitter. Criteria: ACMG Guidelines, 2015. Collection method: clinical testing. Allele origin: germline.

Fulgent Genetics
Classification: Uncertain significance for Stickler syndrome type 1; Multiple epiphyseal dysplasia, Beighton type; Legg-Calve-Perthes disease; Platyspondylic dysplasia, Torrance type; Kniest dysplasia; Spondyloepiphyseal dysplasia congenita; Spondyloepimetaphyseal dysplasia, Strudwick type; Spondylometaphyseal dysplasia - Sutcliffe type; Achondrogenesis type II; Spondyloperipheral dysplasia; Namaqualand hip dysplasia; Avascular necrosis of femoral head, primary, 1; Spondyloepiphyseal dysplasia with metatarsal shortening; Stickler syndrome, type I, nonsyndromic ocular; Spondyloepiphyseal dysplasia, Stanescu type; Vitreoretinopathy with phalangeal epiphyseal dysplasia. Last evaluated: 2021-12-22. Review status: criteria provided, single submitter. Criteria: ACMG Guidelines, 2015. Collection method: clinical testing. Allele origin: unknown.

NM_001844.5(COL2A1):c.1855G>A (p.Glu619Lys)

Gene: COL2A1 (collagen type II alpha 1 chain; minus strand). Cytogenetic location: 12q13.11.
Variant type: single nucleotide variant.
Coding change: c.1855G>A on transcript NM_001844.5 (MANE Select); coding-DNA position 1855, G replaced by A.
Protein change: p.Glu619Lys; replaces glutamic acid 619 with lysine.
Molecular consequence: missense variant.
Genome position (GRCh38, 1-based): chr12:47,984,578, C>T on the plus strand (G>A on the coding strand, the complement: COL2A1 is on the minus strand). VCF-style: chr12-47984578-C-T. GRCh37 (hg19) VCF-style: chr12-48378361-C-T.
Other names: c.1648G>A, p.Glu550Lys (NM_033150.3); short protein forms E619K, E550K.
Identifiers: ClinVar variation 938269 (VCV000938269.14), dbSNP rs1431778644, ClinGen allele CA384549470.